The following is an entry in ClinVar:

NM_004999.4(MYO6):c.2695T>C (p.Tyr899His)

Gene: MYO6 (myosin VI; plus strand). Cytogenetic location: 6q14.1.
Variant type: single nucleotide variant.
Coding change: c.2695T>C on transcript NM_004999.4 (MANE Select); coding-DNA position 2695, T replaced by C.
Protein change: p.Tyr899His; replaces tyrosine 899 with histidine.
Molecular consequence: missense variant. On other transcripts: non-coding transcript variant (1).
Genome position (GRCh38, 1-based): chr6:75,890,093, T>C. VCF-style: chr6-75890093-T-C. GRCh37 (hg19) VCF-style: chr6-76599810-T-C.
Other names: c.2695T>C, p.Tyr899His (NM_001300899.2, NM_001368136.1, NM_001368137.1 and 2 more transcripts); c.2680T>C, p.Tyr894His (NM_001368138.1); short protein forms Y894H, Y899H.
Identifiers: ClinVar variation 4999831 (VCV004999831.1).

ClinVar aggregate classification (germline): Uncertain significance (1 of 4 stars; one submission).

Conditions:
MYO6-related disorder. Also called: MYO6-related disorders; MYO6-related condition.

gnomAD v4.1: 8 of 1,613,530 alleles (0.0005%); highest among the groups gnomAD compares: Non-Finnish European, 0.00068%; no homozygotes.

Submission:

PreventionGenetics, part of Exact Sciences
Classification: Uncertain significance for MYO6-related condition. Last evaluated: 2025-01-14. Review status: criteria provided, single submitter. Criteria: ACMG Guidelines, 2015. Collection method: clinical testing. Allele origin: germline.
Comment: The MYO6 c.2695T>C variant is predicted to result in the amino acid substitution p.Tyr899His. To our knowledge, this variant has not been reported in the literature or in a large population database (gnomAD), indicating this variant is rare. At this time, the clinical significance of this variant is uncertain due to the absence of conclusive functional and genetic evidence.